The following is an entry in ClinVar:

ClinVar aggregate classification (germline): Uncertain significance (1 of 4 stars; one submission).

Conditions:
Heterotaxy, visceral, 6, autosomal (HTX6). Also called: Heterotaxy, visceral, 6, autosomal recessive. Identifiers: Orphanet 450, MedGen C3553676, MONDO:0013887, OMIM 614779.

Allele frequency attached by ClinVar (database versions not stated): gnomAD exomes below 0.00001.
gnomAD v4.1: 2 of 1,613,010 alleles (0.00012%); highest among the groups gnomAD compares: Non-Finnish European, 0.00017%; no homozygotes.

Submission:

Labcorp Genetics (formerly Invitae), Labcorp
Classification: Uncertain significance for Heterotaxy, visceral, 6, autosomal. Last evaluated: 2025-12-25. Review status: criteria provided, single submitter. Criteria: Invitae Variant Classification Sherloc (09022015). Collection method: clinical testing. Allele origin: germline.
Comment: This sequence change replaces serine, which is neutral and polar, with glycine, which is neutral and non-polar, at codon 261 of the CFAP53 protein (p.Ser261Gly). This variant is not present in population databases (gnomAD no frequency). This variant has not been reported in the literature in individuals affected with CFAP53-related conditions. ClinVar contains an entry for this variant (Variation ID: 1057622). Invitae Evidence Modeling of protein sequence and biophysical properties (such as structural, functional, and spatial information, amino acid conservation, physicochemical variation, residue mobility, and thermodynamic stability) indicates that this missense variant is not expected to disrupt CFAP53 protein function with a negative predictive value of 80%. In summary, the available evidence is currently insufficient to determine the role of this variant in disease. Therefore, it has been classified as a Variant of Uncertain Significance.

NM_145020.5(CFAP53):c.781A>G (p.Ser261Gly)

Gene: CFAP53 (cilia and flagella associated protein 53; minus strand). Cytogenetic location: 18q21.1.
Variant type: single nucleotide variant.
Coding change: c.781A>G on transcript NM_145020.5 (MANE Select); coding-DNA position 781, A replaced by G.
Protein change: p.Ser261Gly; replaces serine 261 with glycine.
Molecular consequence: missense variant.
Genome position (GRCh38, 1-based): chr18:50,250,973, T>C on the plus strand (A>G on the coding strand, the complement: CFAP53 is on the minus strand). VCF-style: chr18-50250973-T-C. GRCh37 (hg19) VCF-style: chr18-47777343-T-C.
Other names: short protein forms S261G.
Identifiers: ClinVar variation 1057622 (VCV001057622.7), dbSNP rs2033793556, ClinGen allele CA402440605.
Genomic context (GRCh38, chr18:50,250,973, plus strand): 5'-TTGCCTTCTGTTTCTTTAGCATATCCTGTTCATTCTCATGTTTAATCTGTGCGTTGTTAC[T>C]TTCCTAAGGTAGAATCATAATAAAGATAATGCATCAGTACAGTTGGACAAGACAAGTTAG-3'
Protein context (NP_659457.2, residues 251-271): LKEEEARLVE[Ser261Gly]NNAQIKHENE